The following is an entry in ClinVar:

ClinVar aggregate classification (germline): Pathogenic (1 of 4 stars; one submission).

Submission:

CeGaT Center for Human Genetics Tuebingen
Classification: Pathogenic. Last evaluated: 2024-11-01. Review status: criteria provided, single submitter. Criteria: CeGaT Center For Human Genetics Tuebingen Variant Classification Criteria Version 2. Collection method: clinical testing. Allele origin: germline. Affected: yes. Observed: 1 variant allele.
Comment: KMT2D: PVS1, PM2

NM_003482.4(KMT2D):c.13309_13319del (p.Gly4437fs)

Gene: KMT2D (lysine methyltransferase 2D; minus strand). Cytogenetic location: 12q13.12.
Variant type: Deletion.
Coding change: c.13309_13319del on transcript NM_003482.4 (MANE Select); coding-DNA positions 13309 to 13319, 11 bases deleted (GGGGAGCCAAT).
Protein change: p.Gly4437fs; shifts the reading frame from glycine 4437.
Molecular consequence: frameshift variant.
Genome position (GRCh38, 1-based): chr12:49,031,386-49,031,396, ATTGGCTCCCC deleted on the plus strand (GGGGAGCCAAT on the coding strand, the reverse complement: KMT2D is on the minus strand); deleting any 11 consecutive bases within chr12:49,031,386-49,031,402 gives the same sequence; the c. name uses the placement nearest the transcript's 3' end. VCF-style (leftmost placement, unchanged base first): chr12-49031385-TATTGGCTCCCC-T. GRCh37 (hg19) VCF-style: chr12-49425168-TATTGGCTCCCC-T.
Other names: short protein forms G4437fs.
Identifiers: ClinVar variation 3390104 (VCV003390104.14).